The following is an entry in ClinVar:

ClinVar aggregate classification (germline): Uncertain significance (1 of 4 stars; one submission).

gnomAD v4.1: 1 of 1,614,230 alleles (0.000062%); highest among the groups gnomAD compares: Non-Finnish European, 0.000085%; no homozygotes.

Submission:

GeneDx
Classification: Uncertain significance. Last evaluated: 2024-09-16. Review status: criteria provided, single submitter. Criteria: GeneDx Variant Classification Process June 2021. Collection method: clinical testing. Allele origin: germline. Affected: yes.
Comment: Not observed at significant frequency in large population cohorts (gnomAD); In silico analysis supports that this missense variant has a deleterious effect on protein structure/function; Has not been previously published as pathogenic or benign to our knowledge

NM_014159.7(SETD2):c.6671C>T (p.Pro2224Leu)

Gene: SETD2 (SET domain containing 2, histone lysine methyltransferase; minus strand). Cytogenetic location: 3p21.31.
Variant type: single nucleotide variant.
Coding change: c.6671C>T on transcript NM_014159.7 (MANE Select); coding-DNA position 6671, C replaced by T.
Protein change: p.Pro2224Leu; replaces proline 2224 with leucine.
Molecular consequence: missense variant. On other transcripts: non-coding transcript variant (1).
Genome position (GRCh38, 1-based): chr3:47,057,113, G>A on the plus strand (C>T on the coding strand, the complement: SETD2 is on the minus strand). VCF-style: chr3-47057113-G-A. GRCh37 (hg19) VCF-style: chr3-47098603-G-A.
Other names: c.6539C>T, p.Pro2180Leu (NM_001349370.3); short protein forms P2180L, P2224L.
Identifiers: ClinVar variation 3769740 (VCV003769740.1).
Genomic context (GRCh38, chr3:47,057,113, plus strand): 5'-CTCTGGGCCACATACTGGGAACTGGAAACTTCCACAGGAGCTGCCACATGTGGCACCACT[G>A]GTACTGGTGGAGGGGCAGAAAGGGGTTCTGTAGAATGTCCCACCAAGGGCTGAGCATGAT-3'
Protein context (NP_054878.5, residues 2214-2234): TEPLSAPPPV[Pro2224Leu]VVPHVAAPVE